The following is an entry in ClinVar:

NM_005402.4(RALA):c.408G>A (p.Gln136=)

Gene: RALA (RAS like proto-oncogene A; plus strand). Cytogenetic location: 7p14.1.
Variant type: single nucleotide variant.
Coding change: c.408G>A on transcript NM_005402.4 (MANE Select); coding-DNA position 408, G replaced by A.
Protein change: p.Gln136=; no amino-acid change (glutamine 136 retained).
Molecular consequence: synonymous variant.
Genome position (GRCh38, 1-based): chr7:39,696,769, G>A. VCF-style: chr7-39696769-G-A. GRCh37 (hg19) VCF-style: chr7-39736368-G-A.
Identifiers: ClinVar variation 3389247 (VCV003389247.14).

ClinVar aggregate classification (germline): Likely benign (1 of 4 stars; one submission).

gnomAD v4.1: 2 of 1,613,278 alleles (0.00012%); highest among the groups gnomAD compares: Non-Finnish European, 0.00017%; no homozygotes.

Submission:

CeGaT Center for Human Genetics Tuebingen
Classification: Likely benign. Last evaluated: 2024-10-01. Review status: criteria provided, single submitter. Criteria: CeGaT Center For Human Genetics Tuebingen Variant Classification Criteria Version 2. Collection method: clinical testing. Allele origin: germline. Affected: yes. Observed: 1 variant allele.
Comment: RALA: BP4, BP7